The following is an entry in ClinVar:

ClinVar aggregate classification (germline): Uncertain significance (1 of 4 stars; one submission).

Conditions:
RAD1-related disorder. Also called: RAD1-related condition.

Allele frequency attached by ClinVar (database versions not stated): gnomAD 0.00002; TOPMed 0.00002.
gnomAD v4.1: 13 of 1,614,120 alleles (0.00081%); highest among the groups gnomAD compares: African/African-American, 0.0067%; no homozygotes.

Submission:

PreventionGenetics, part of Exact Sciences
Classification: Uncertain significance for RAD1-related condition. Last evaluated: 2023-05-26. Review status: criteria provided, single submitter. Criteria: ACMG Guidelines, 2015. Collection method: clinical testing. Allele origin: germline.
Comment: The RAD1 c.326G>A variant is predicted to result in the amino acid substitution p.Arg109Gln. To our knowledge, this variant has not been reported in the literature. This variant is reported in 0.064% of alleles in individuals of East Asian descent in gnomAD. At this time, the clinical significance of this variant is uncertain due to the absence of conclusive functional and genetic evidence.

NM_002853.4(RAD1):c.326G>A (p.Arg109Gln)

Genes: RAD1 (RAD1 checkpoint DNA exonuclease; minus strand), TTC23L (tetratricopeptide repeat domain 23 like; plus strand). Cytogenetic location: 5p13.2.
Variant type: single nucleotide variant.
Coding change: c.326G>A on transcript NM_002853.4 (MANE Select); coding-DNA position 326, G replaced by A.
Protein change: p.Arg109Gln; replaces arginine 109 with glutamine.
Molecular consequence: missense variant. On other transcripts: non-coding transcript variant (1).
Genome position (GRCh38, 1-based): chr5:34,911,794, C>T on the plus strand (G>A on the coding strand, the complement: RAD1 is on the minus strand). VCF-style: chr5-34911794-C-T. GRCh37 (hg19) VCF-style: chr5-34911899-C-T.
Other names: short protein forms R109Q.
Identifiers: ClinVar variation 2633857 (VCV002633857.1), dbSNP rs113022677, ClinGen allele CA116915947.